The following is an entry in ClinVar:

NM_004982.4(KCNJ8):c.1192_1209dup (p.Ile398_Ser403dup)

Genes: KCNJ8 (potassium inwardly rectifying channel subfamily J member 8; minus strand), KCNJ8-AS1 (KCNJ8 antisense RNA 1; plus strand). Cytogenetic location: 12p12.1.
Variant type: Duplication.
Coding change: c.1192_1209dup on transcript NM_004982.4 (MANE Select); coding-DNA positions 1192 to 1209, 18 bases duplicated (ATCCGAAGGAACAATTCT).
Protein change: p.Ile398_Ser403dup.
Molecular consequence: inframe insertion.
Genome position (GRCh38, 1-based): chr12:21,765,789-21,765,806, AGAATTGTTCCTTCGGAT duplicated on the plus strand (ATCCGAAGGAACAATTCT on the coding strand, the reverse complement: KCNJ8 is on the minus strand); duplicating any 18 consecutive bases within chr12:21,765,789-21,765,818 gives the same sequence; the c. name uses the placement nearest the transcript's 3' end. VCF-style (leftmost placement, unchanged base first): chr12-21765788-A-AAGAATTGTTCCTTCGGAT. GRCh37 (hg19) VCF-style: chr12-21918722-A-AAGAATTGTTCCTTCGGAT.
Identifiers: ClinVar variation 519254 (VCV000519254.5), dbSNP rs768365303, ClinGen allele CA6480614.
Genomic context (GRCh38, chr12:21,765,788, plus strand): 5'-ATTCCGATGTGTTTTGATTTCCTTCTGGAGTCATAAATTGCACCTTTGGTACCATGAGGG[A>AAGAATTGTTCCTTCGGAT]AGAATTGTTCCTTCGGATAGAATTGTTCCTCCTCATGGAATTGTTTCTTCTCATGGAGTT-3'

ClinVar aggregate classification (germline): Uncertain significance (1 of 4 stars; one submission).

Conditions:
Cardiovascular phenotype. Identifiers: MedGen CN230736.

Submission:

Ambry Genetics
Classification: Uncertain significance for Cardiovascular phenotype. Last evaluated: 2016-07-26. Review status: criteria provided, single submitter. Criteria: Ambry Variant Classification Scheme 2023. Collection method: clinical testing. Allele origin: germline.
Comment: The c.1192_1209dupATCCGAAGGAACAATTCT variant (also known as p.I398_S403dup), located in coding exon 2 of the KCNJ8 gene, results from an in-frame duplication of 18 nucleotides at nucleotide positions 1192 to 1209. This results in the duplication of 6 extra residues (IRRNNS) between codons 398 and 403 in the C-terminal cytoplasmic domain of the KCNJ8 protein. An in-frame deletion in the C-terminal cytoplasmic region, p.E332del, has been shown to disrupt protein function (Tester DJ et al. Circ Cardiovasc Genet. 2011;4:510-5); however, evidence that this in-frame duplication has a similar effect is lacking. This variant was not reported in population-based cohorts in the following databases: Database of Single Nucleotide Polymorphisms (dbSNP), Exome Aggregation Consortium (ExAC), NHLBI Exome Sequencing Project (ESP), and 1000 Genomes Project. In the ESP, this variant was not observed in 6503 samples (13006 alleles) with coverage at this position. These amino acid positions are well conserved in available vertebrate species. Since supporting evidence is limited at this time, the clinical significance of this alteration remains unclear.

Literature cited by the submitters: PubMed 21836131.